The following is an entry in ClinVar:

ClinVar aggregate classification (germline): Uncertain significance (1 of 4 stars; one submission).

Submission:

GeneDx
Classification: Uncertain significance. Last evaluated: 2026-01-16. Review status: criteria provided, single submitter. Criteria: GeneDx Variant Classification Process June 2021. Collection method: clinical testing. Allele origin: germline. Affected: yes.
Comment: Has not been previously published as pathogenic or benign to our knowledge; Not observed at significant frequency in large population cohorts (gnomAD); In silico analysis supports that this missense variant has a deleterious effect on protein structure/function

NM_007118.4(TRIO):c.6784T>G (p.Trp2262Gly)

Gene: TRIO (trio Rho guanine nucleotide exchange factor; plus strand). Cytogenetic location: 5p15.2.
Variant type: single nucleotide variant.
Coding change: c.6784T>G on transcript NM_007118.4 (MANE Select); coding-DNA position 6784, T replaced by G.
Protein change: p.Trp2262Gly; replaces tryptophan 2262 with glycine.
Molecular consequence: missense variant. On other transcripts: non-coding transcript variant (1).
Genome position (GRCh38, 1-based): chr5:14,485,195, T>G. VCF-style: chr5-14485195-T-G. GRCh37 (hg19) VCF-style: chr5-14485304-T-G.
Other names: short protein forms W2262G.
Identifiers: ClinVar variation 1312267 (VCV001312267.4), dbSNP rs2126624722, ClinGen allele CA359236122.